The following is an entry in ClinVar:

ClinVar aggregate classification (germline): Uncertain significance. Review status: criteria provided, multiple submitters, no conflicts (2 of 4 stars). 3 submissions from 3 submitters: Uncertain significance (3). Last evaluated 2024-03-13.

Conditions:
Basal laminar drusen. Also called: DRUSEN OF BRUCH MEMBRANE; DRUSEN, CUTICULAR; DRUSEN, EARLY ADULT-ONSET, GROUPED. Identifiers: Orphanet 75376, MedGen C0730295, MONDO:0007472, OMIM 126700.
Age related macular degeneration 4. Identifiers: MedGen C1853147, MONDO:0012540, OMIM 610698.
Factor H deficiency (CFHD). Also called: COMPLEMENT FACTOR H DEFICIENCY; CFH DEFICIENCY. Identifiers: Orphanet 200421, MedGen C0398777, MONDO:0012350, OMIM 609814.
Hemolytic uremic syndrome, atypical, susceptibility to, 1. Also called: AHUS, SUSCEPTIBILITY TO, 1. Identifiers: Orphanet 2134, Orphanet 90038, MedGen C2749604, MONDO:0009335, OMIM 235400. Disease mechanism: Other.
Inborn genetic diseases. Identifiers: MedGen C0950123, MeSH D030342.

Allele frequency attached by ClinVar (database versions not stated): ExAC 0.00002; gnomAD exomes 0.00002; ESP Exome Variant Server 0.00008.
gnomAD v4.1: 19 of 1,612,640 alleles (0.0012%); highest among the groups gnomAD compares: Middle Eastern, 0.016%; no homozygotes.

Submissions (3):

Fulgent Genetics
Classification: Uncertain significance for Basal laminar drusen; Hemolytic uremic syndrome, atypical, susceptibility to, 1; Factor H deficiency; Age related macular degeneration 4. Last evaluated: 2024-03-13. Review status: criteria provided, single submitter. Criteria: ACMG Guidelines, 2015. Collection method: clinical testing. Allele origin: germline.

Ambry Genetics
Classification: Uncertain significance for Inborn genetic diseases. Last evaluated: 2023-12-18. Review status: criteria provided, single submitter. Criteria: Ambry Variant Classification Scheme 2023. Collection method: clinical testing. Allele origin: germline.

Labcorp Genetics (formerly Invitae), Labcorp
Classification: Uncertain significance. Last evaluated: 2021-08-27. Review status: criteria provided, single submitter. Criteria: Invitae Variant Classification Sherloc (09022015). Collection method: clinical testing. Allele origin: germline.
Comment: This sequence change replaces valine with leucine at codon 552 of the CFH protein (p.Val552Leu). The valine residue is weakly conserved and there is a small physicochemical difference between valine and leucine. This variant is present in population databases (rs372365885, ExAC 0.01%). This variant has not been reported in the literature in individuals affected with CFH-related conditions. Algorithms developed to predict the effect of missense changes on protein structure and function (SIFT, PolyPhen-2, Align-GVGD) all suggest that this variant is likely to be tolerated. In summary, the available evidence is currently insufficient to determine the role of this variant in disease. Therefore, it has been classified as a Variant of Uncertain Significance.

NM_000186.4(CFH):c.1654G>C (p.Val552Leu)

Gene: CFH (complement factor H; plus strand). Cytogenetic location: 1q31.3.
Variant type: single nucleotide variant.
Coding change: c.1654G>C on transcript NM_000186.4 (MANE Select); coding-DNA position 1654, G replaced by C.
Protein change: p.Val552Leu; replaces valine 552 with leucine.
Molecular consequence: missense variant.
Genome position (GRCh38, 1-based): chr1:196,715,727, G>C. VCF-style: chr1-196715727-G-C. GRCh37 (hg19) VCF-style: chr1-196684857-G-C.
Other names: c.1654G>C (NM_000186.3); short protein forms V552L.
Identifiers: ClinVar variation 1423628 (VCV001423628.7), dbSNP rs372365885, ClinGen allele CA1305453.